The following is an entry in ClinVar:

ClinVar aggregate classification (germline): Uncertain significance (1 of 4 stars; one submission).

Conditions:
Hereditary cancer-predisposing syndrome. Also called: Neoplastic Syndromes, Hereditary; Tumor predisposition; Hereditary Cancer Syndrome; Hereditary neoplastic syndrome. Identifiers: Orphanet 140162, MedGen C0027672, MeSH D009386, MONDO:0015356.

Submission:

Ambry Genetics
Classification: Uncertain significance for Hereditary cancer-predisposing syndrome. Last evaluated: 2014-08-14. Review status: criteria provided, single submitter. Criteria: Ambry Variant Classification Scheme 2023. Collection method: clinical testing. Allele origin: germline.
Comment: The c.719_739dup21 variant, located in coding exon 3 of the PHOX2B gene, results from an in-frame 21 nucleotide duplication between positions 719 and 739. This results in the duplication of the residues between codons 240 and 246 (p.G240_A246dup7). This variant was not reported in population based cohorts in the following databases: Database of Single Nucleotide Polymorphisms (dbSNP), NHLBI Exome Sequencing Project (ESP), and 1000 Genomes Project. In the ESP, this variant was not observed in 234 samples (468 alleles) with coverage at this position. This amino acid position is well conserved in available vertebrate species on limited alignment. Since supporting evidence is limited at this time, the clinical significance of this variant remains unclear.

NM_003924.4(PHOX2B):c.719_739dup (p.Ala246_Ala247insGlyAlaAlaAlaAlaAlaAla)

Genes: PHOX2B (paired like homeobox 2B; minus strand), LOC110011216 (paired like homeobox 2b polyalanine repeat instability region; plus strand). Cytogenetic location: 4p13.
Variant type: Duplication.
Coding change: c.719_739dup on transcript NM_003924.4 (MANE Select); coding-DNA positions 719 to 739, 21 bases duplicated (GCGCAGCAGCAGCGGCGGCGG).
Protein change: p.Ala246_Ala247insGlyAlaAlaAlaAlaAlaAla.
Molecular consequence: inframe insertion. On other transcripts: inframe indel (1).
Genome position (GRCh38, 1-based): chr4:41,746,013-41,746,033, CCGCCGCCGCTGCTGCTGCGC duplicated on the plus strand (GCGCAGCAGCAGCGGCGGCGG on the coding strand, the reverse complement: PHOX2B is on the minus strand); duplicating any 21 consecutive bases within chr4:41,746,013-41,746,034 gives the same sequence; the c. name uses the placement nearest the transcript's 3' end. VCF-style (leftmost placement, unchanged base first): chr4-41746012-G-GCCGCCGCCGCTGCTGCTGCGC. GRCh37 (hg19) VCF-style: chr4-41748029-G-GCCGCCGCCGCTGCTGCTGCGC.
Other names: c.719_739dup21 (NM_003924.3).
Identifiers: ClinVar variation 1757594 (VCV001757594.2), dbSNP rs2552096824, ClinGen allele CA2580071009.